The following is an entry in ClinVar:

ClinVar aggregate classification (germline): Uncertain significance (1 of 4 stars; one submission).

Submission:

Labcorp Genetics (formerly Invitae), Labcorp
Classification: Uncertain significance. Last evaluated: 2025-07-02. Review status: criteria provided, single submitter. Criteria: Invitae Variant Classification Sherloc (09022015). Collection method: clinical testing. Allele origin: germline.
Comment: This sequence change falls in intron 2 of the OPA1 gene. It does not directly change the encoded amino acid sequence of the OPA1 protein. It affects a nucleotide within the consensus splice site. This variant is not present in population databases (gnomAD no frequency). This variant has not been reported in the literature in individuals affected with OPA1-related conditions. Variants that disrupt the consensus splice site are a relatively common cause of aberrant splicing (PMID: 17576681, 9536098). Algorithms developed to predict the effect of sequence changes on RNA splicing suggest that this variant may disrupt the consensus splice site. In summary, the available evidence is currently insufficient to determine the role of this variant in disease. Therefore, it has been classified as a Variant of Uncertain Significance.

Literature cited by the submitters: PubMed 17576681; PubMed 9536098.

NM_130837.3(OPA1):c.352-3T>G

Gene: OPA1 (OPA1 mitochondrial dynamin like GTPase; plus strand). Cytogenetic location: 3q29.
Variant type: single nucleotide variant.
Coding change: c.352-3T>G on transcript NM_130837.3 (MANE Select); 3 bases into the intron before coding-DNA position 352, T replaced by G.
Molecular consequence: intron variant.
Genome position (GRCh38, 1-based): chr3:193,615,671, T>G. VCF-style: chr3-193615671-T-G. GRCh37 (hg19) VCF-style: chr3-193333460-T-G.
Other names: c.-21-3T>G (NM_001354664.2, NM_001354663.2); c.352-3T>G (NM_130834.3, NM_130836.3, NM_015560.3 and 4 more transcripts).
Identifiers: ClinVar variation 4722551 (VCV004722551.1).